The following is an entry in ClinVar:

NM_182914.3(SYNE2):c.12883G>C (p.Glu4295Gln)

Gene: SYNE2 (spectrin repeat containing nuclear envelope protein 2; plus strand). Cytogenetic location: 14q23.2.
Variant type: single nucleotide variant.
Coding change: c.12883G>C on transcript NM_182914.3 (MANE Select); coding-DNA position 12883, G replaced by C.
Protein change: p.Glu4295Gln; replaces glutamic acid 4295 with glutamine.
Molecular consequence: missense variant.
Genome position (GRCh38, 1-based): chr14:64,119,469, G>C. VCF-style: chr14-64119469-G-C. GRCh37 (hg19) VCF-style: chr14-64586187-G-C.
Other names: c.12883G>C, p.Glu4295Gln (NM_015180.6); short protein forms E4295Q.
Identifiers: ClinVar variation 4984882 (VCV004984882.1).

ClinVar aggregate classification (germline): Uncertain significance (1 of 4 stars; one submission).

Conditions:
SYNE2-related disorder. Also called: SYNE2-related condition.

gnomAD v4.1: 4 of 1,614,120 alleles (0.00025%); highest among the groups gnomAD compares: Non-Finnish European, 0.00034%; no homozygotes.

Submission:

PreventionGenetics, part of Exact Sciences
Classification: Uncertain significance for SYNE2-related condition. Last evaluated: 2025-05-05. Review status: criteria provided, single submitter. Criteria: ACMG Guidelines, 2015. Collection method: clinical testing. Allele origin: germline.
Comment: The SYNE2 c.12883G>C variant is predicted to result in the amino acid substitution p.Glu4295Gln. To our knowledge, this variant has not been reported in the literature or in a large population database (gnomAD), indicating this variant is rare. At this time, the clinical significance of this variant is uncertain due to the absence of conclusive functional and genetic evidence.